The following is an entry in ClinVar:

ClinVar aggregate classification (germline): Uncertain significance. Review status: criteria provided, multiple submitters, no conflicts (2 of 4 stars). 2 submissions from 2 submitters: Uncertain significance (2). Last evaluated 2025-09-10.

Conditions:
Intellectual developmental disorder, autosomal recessive 56. Also called: Intellectual disability, autosomal recessive 56. Identifiers: MedGen C4310703, MONDO:0014930, OMIM 617125.

Allele frequency attached by ClinVar (database versions not stated): ExAC 0.00001; TOPMed 0.00002; gnomAD exomes 0.00001; gnomAD 0.00001.
gnomAD v4.1: 22 of 1,613,920 alleles (0.0014%); highest among the groups gnomAD compares: South Asian, 0.0055%; no homozygotes.

Submissions (2):

Genomic Medicine Center of Excellence, King Faisal Specialist Hospital and Research Centre
Classification: Uncertain significance for Intellectual developmental disorder, autosomal recessive 56. Last evaluated: 2025-09-10. Review status: criteria provided, single submitter. Criteria: ACMG Guidelines, 2015. Collection method: clinical testing. Allele origin: germline.

Baylor Genetics
Classification: Uncertain significance for Intellectual developmental disorder, autosomal recessive 56. Last evaluated: 2018-05-30. Review status: criteria provided, single submitter. Criteria: ACMG Guidelines, 2015. Collection method: clinical testing. Allele origin: unknown. Affected: yes.
Comment: This variant was determined to be of uncertain significance according to ACMG Guidelines, 2015 [PMID:25741868].

NM_024824.5(ZC3H14):c.311G>A (p.Arg104Gln)

Gene: ZC3H14 (zinc finger CCCH-type containing 14; plus strand). Cytogenetic location: 14q31.3.
Variant type: single nucleotide variant.
Coding change: c.311G>A on transcript NM_024824.5 (MANE Select); coding-DNA position 311, G replaced by A.
Protein change: p.Arg104Gln; replaces arginine 104 with glutamine.
Molecular consequence: missense variant. On other transcripts: 5 prime UTR variant (8), non-coding transcript variant (1).
Genome position (GRCh38, 1-based): chr14:88,572,105, G>A. VCF-style: chr14-88572105-G-A. GRCh37 (hg19) VCF-style: chr14-89038449-G-A.
Other names: c.311G>A, p.Arg104Gln (NM_001160103.2, NM_001160104.2, NM_001326295.2 and 9 more transcripts); c.209G>A, p.Arg70Gln (NM_001326297.2, NM_001326301.2, NM_001326303.2 and 3 more transcripts); c.-155G>A (NM_001326300.2, NM_001326302.2, NM_001326304.2 and 5 more transcripts); short protein forms R104Q, R70Q.
Identifiers: ClinVar variation 1031410 (VCV001031410.2), dbSNP rs772949764, ClinGen allele CA7300196.
Genomic context (GRCh38, chr14:88,572,105, plus strand): 5'-AGTCTTCTGATACCAACATCTTTGATAGTAACGTGCCTTCAAACAAGAGCAATTTCAGTC[G>A]GGGAGATGAGAGGAGGCATGAAGCTGCAGTGCCACCACTTGCCATTCCTAGCGCGAGACC-3'
Protein context (NP_079100.2, residues 94-114): NVPSNKSNFS[Arg104Gln]GDERRHEAAV